The following is an entry in ClinVar:

ClinVar aggregate classification (germline): Uncertain significance (1 of 4 stars; one submission).

Conditions:
Werner syndrome (WRN). Identifiers: Orphanet 902, MedGen C0043119, MONDO:0010196, OMIM 277700.

gnomAD v4.1: 1 of 1,613,792 alleles (0.000062%); highest among the groups gnomAD compares: Non-Finnish European, 0.000085%; no homozygotes.

Submission:

Labcorp Genetics (formerly Invitae), Labcorp
Classification: Uncertain significance for Werner syndrome. Last evaluated: 2025-07-06. Review status: criteria provided, single submitter. Criteria: Invitae Variant Classification Sherloc (09022015). Collection method: clinical testing. Allele origin: germline.
Comment: This sequence change replaces serine, which is neutral and polar, with asparagine, which is neutral and polar, at codon 176 of the WRN protein (p.Ser176Asn). The frequency data for this variant in the population databases is considered unreliable, as metrics indicate poor data quality at this position in the gnomAD database. This variant has not been reported in the literature in individuals affected with WRN-related conditions. ClinVar contains an entry for this variant (Variation ID: 2732052). An algorithm developed to predict the effect of missense changes on protein structure and function (PolyPhen-2) suggests that this variant is likely to be disruptive. In summary, the available evidence is currently insufficient to determine the role of this variant in disease. Therefore, it has been classified as a Variant of Uncertain Significance.

NM_000553.6(WRN):c.527G>A (p.Ser176Asn)

Gene: WRN (WRN RecQ like helicase; plus strand). Cytogenetic location: 8p12.
Variant type: single nucleotide variant.
Coding change: c.527G>A on transcript NM_000553.6 (MANE Select); coding-DNA position 527, G replaced by A.
Protein change: p.Ser176Asn; replaces serine 176 with asparagine.
Molecular consequence: missense variant.
Genome position (GRCh38, 1-based): chr8:31,067,055, G>A. VCF-style: chr8-31067055-G-A. GRCh37 (hg19) VCF-style: chr8-30924571-G-A.
Other names: short protein forms S176N.
Identifiers: ClinVar variation 2732052 (VCV002732052.3), dbSNP rs748976035, ClinGen allele CA370915925.